The following is an entry in ClinVar:

NM_032043.3(BRIP1):c.630C>G (p.Pro210=)

Gene: BRIP1 (BRCA1 interacting DNA helicase 1; minus strand). Cytogenetic location: 17q23.2.
Variant type: single nucleotide variant.
Coding change: c.630C>G on transcript NM_032043.3 (MANE Select); coding-DNA position 630, C replaced by G.
Protein change: p.Pro210=; no amino-acid change (proline 210 retained).
Molecular consequence: synonymous variant.
Genome position (GRCh38, 1-based): chr17:61,808,755, G>C on the plus strand (C>G on the coding strand, the complement: BRIP1 is on the minus strand). VCF-style: chr17-61808755-G-C. GRCh37 (hg19) VCF-style: chr17-59886116-G-C.
Identifiers: ClinVar variation 1558602 (VCV001558602.15), dbSNP rs864622510, ClinGen allele CA501335375.

ClinVar aggregate classification (germline): Benign/Likely benign. Review status: criteria provided, multiple submitters, no conflicts (2 of 4 stars). 5 submissions from 5 submitters: Benign (1); Likely benign (4). Last evaluated 2024-08-22.

Conditions:
Hereditary cancer-predisposing syndrome. Also called: Neoplastic Syndromes, Hereditary; Hereditary Cancer Syndrome; Hereditary neoplastic syndrome; Tumor predisposition. Identifiers: Orphanet 140162, MedGen C0027672, MeSH D009386, MONDO:0015356.
Familial cancer of breast. Also called: hereditary breast carcinoma; BREAST CANCER, FAMILIAL; Hereditary breast cancer. Identifiers: Orphanet 227535, MedGen C0346153, MONDO:0016419, OMIM 114480. Disease mechanism: loss of function.
Fanconi anemia complementation group J. Also called: BRIP1-Related Fanconi Anemia. Identifiers: Orphanet 84, MedGen C1836860, MONDO:0012187, OMIM 609054.

Allele frequency attached by ClinVar (database versions not stated): TOPMed below 0.00001; gnomAD 0.00001.
gnomAD v4.1: 1 of 1,612,042 alleles (0.000062%); highest among the groups gnomAD compares: East Asian, 0.0022%; no homozygotes.

Submissions (5):

Myriad Genetics, Inc.
Classification: Benign for Familial cancer of breast. Last evaluated: 2024-08-22. Review status: criteria provided, single submitter. Criteria: Myriad Autosomal Dominant, Autosomal Recessive and X-Linked Classification Criteria (2023). Collection method: clinical testing. Allele origin: unknown.
Comment: This variant is considered benign. This variant is a silent/synonymous amino acid change and it is not expected to impact splicing.

Labcorp Genetics (formerly Invitae), Labcorp
Classification: Likely benign for Familial cancer of breast; Fanconi anemia complementation group J. Last evaluated: 2024-03-20. Review status: criteria provided, single submitter. Criteria: Invitae Variant Classification Sherloc (09022015). Collection method: clinical testing. Allele origin: germline.

Women's Health and Genetics/Laboratory Corporation of America, LabCorp
Classification: Likely benign. Last evaluated: 2022-04-16. Review status: criteria provided, single submitter. Criteria: LabCorp Variant Classification Summary - May 2015. Collection method: clinical testing. Allele origin: germline.
Comment: Variant summary: BRIP1 c.630C>G (p.Pro210Pro) alters a non-conserved nucleotide located close to a canonical splice site and therefore could affect mRNA splicing, leading to a significantly altered protein sequence. 4/4 computational tools predict no significant impact on normal splicing. However, these predictions have yet to be confirmed by functional studies. The variant was absent in 248792 control chromosomes. The available data on variant occurrences in the general population are insufficient to allow any conclusion about variant significance. To our knowledge, no occurrence of c.630C>G in individuals affected with Hereditary Breast And Ovarian Cancer Syndrome and no experimental evidence demonstrating its impact on protein function have been reported. One clinical diagnostic laboratory has submitted clinical-significance assessments for this variant to ClinVar after 2014 without evidence for independent evaluation and classified the variant as likely benign. Based on the evidence outlined above, the variant was classified as likely benign.

Color Diagnostics, LLC DBA Color Health
Classification: Likely benign for Hereditary cancer-predisposing syndrome. Last evaluated: 2021-06-08. Review status: criteria provided, single submitter. Criteria: ACMG Guidelines, 2015. Collection method: clinical testing. Allele origin: germline.

Ambry Genetics
Classification: Likely benign for Hereditary cancer-predisposing syndrome. Last evaluated: 2021-05-26. Review status: criteria provided, single submitter. Criteria: Ambry Variant Classification Scheme 2023. Collection method: clinical testing. Allele origin: germline.